The following is an entry in ClinVar:

NM_018684.4(ZC4H2):c.544C>T (p.Gln182Ter)

Gene: ZC4H2 (zinc finger C4H2-type containing; minus strand). Cytogenetic location: Xq11.2.
Variant type: single nucleotide variant.
Coding change: c.544C>T on transcript NM_018684.4 (MANE Select); coding-DNA position 544, C replaced by T.
Protein change: p.Gln182Ter; replaces glutamine 182 with a stop codon.
Molecular consequence: nonsense. On other transcripts: non-coding transcript variant (1), intron variant (1).
Genome position (GRCh38, 1-based): chrX:64,919,059, G>A on the plus strand (C>T on the coding strand, the complement: ZC4H2 is on the minus strand). VCF-style: chrX-64919059-G-A. GRCh37 (hg19) VCF-style: chrX-64138939-G-A.
Other names: c.475C>T, p.Gln159Ter (NM_001178032.3, NM_001243804.2); c.398+1022C>T (NM_001178033.3); short protein forms Q159*, Q182*.
Identifiers: ClinVar variation 4292402 (VCV004292402.1).

ClinVar aggregate classification (germline): Likely pathogenic (1 of 4 stars; one submission).

Conditions:
Wieacker-Wolff syndrome, female-restricted (WRWFFR). Identifiers: MedGen C5393303, MONDO:0026762, OMIM 301041.

Submission:

3billion
Classification: Likely pathogenic for Wieacker-Wolff syndrome, female-restricted. Last evaluated: 2024-11-07. Review status: criteria provided, single submitter. Criteria: ACMG Guidelines, 2015. Collection method: clinical testing. Allele origin: germline. Affected: yes.
Comment: The variant is not observed in the gnomAD v4.1.0 dataset. Predicted Consequence/Location: Stop-gained (nonsense): predicted to result in a loss or disruption of normal protein function through protein truncation. Multiple pathogenic variants are reported in the predicted truncated region. Therefore, this variant is classified as Likely pathogenic according to the recommendation of ACMG/AMP guideline.